The following is an entry in ClinVar:

ClinVar aggregate classification (germline): Benign/Likely benign. Review status: criteria provided, multiple submitters, no conflicts (2 of 4 stars). 2 submissions from 2 submitters: Benign (1); Likely benign (1). Last evaluated 2026-08-19.

Conditions:
Hereditary cancer-predisposing syndrome. Also called: Hereditary neoplastic syndrome; Neoplastic Syndromes, Hereditary; Tumor predisposition; Hereditary Cancer Syndrome. Identifiers: Orphanet 140162, MedGen C0027672, MeSH D009386, MONDO:0015356.
DICER1-related tumor predisposition. Also called: DICER1-related pleuropulmonary blastoma cancer predisposition syndrome; DICER1 syndrome. Identifiers: Orphanet 284343, MedGen C3839822, MONDO:0100216.

Submissions (2):

Myriad Genetics, Inc.
Classification: Benign for DICER1-related tumor predisposition. Last evaluated: 2026-08-19. Review status: criteria provided, single submitter. Criteria: Myriad Autosomal Dominant, Autosomal Recessive and X-Linked Classification Criteria (2023). Collection method: clinical testing. Allele origin: unknown.
Comment: This variant is considered benign. This variant is a silent/synonymous amino acid change and it is not expected to impact splicing.

Ambry Genetics
Classification: Likely benign for Hereditary cancer-predisposing syndrome. Last evaluated: 2022-10-12. Review status: criteria provided, single submitter. Criteria: Ambry Variant Classification Scheme 2023. Collection method: clinical testing. Allele origin: germline.

NM_177438.3(DICER1):c.4566C>T (p.Asp1522=)

Gene: DICER1 (dicer 1, ribonuclease III; minus strand). Cytogenetic location: 14q32.13.
Variant type: single nucleotide variant.
Coding change: c.4566C>T on transcript NM_177438.3 (MANE Select); coding-DNA position 4566, C replaced by T.
Protein change: p.Asp1522=; no amino-acid change (aspartic acid 1522 retained).
Molecular consequence: synonymous variant. On other transcripts: non-coding transcript variant (6).
Genome position (GRCh38, 1-based): chr14:95,096,354, G>A on the plus strand (C>T on the coding strand, the complement: DICER1 is on the minus strand). VCF-style: chr14-95096354-G-A. GRCh37 (hg19) VCF-style: chr14-95562691-G-A.
Other names: c.4566C>T, p.Asp1522= (NM_001195573.1, NM_001271282.3, NM_001291628.2 and 13 more transcripts); c.4284C>T, p.Asp1428= (NM_001395686.1); c.4161C>T, p.Asp1387= (NM_001395687.1, NM_001395688.1, NM_001395689.1 and 2 more transcripts); c.3999C>T, p.Asp1333= (NM_001395691.1); c.2883C>T, p.Asp961= (NM_001395697.1).
Identifiers: ClinVar variation 1741517 (VCV001741517.3), dbSNP rs1364431792, ClinGen allele CA487843981.